The following is an entry in ClinVar:

NM_018052.5(VAC14):c.329G>A (p.Arg110His)

Gene: VAC14 (VAC14 component of PIKFYVE complex; minus strand). Cytogenetic location: 16q22.1.
Variant type: single nucleotide variant.
Coding change: c.329G>A on transcript NM_018052.5 (MANE Select); coding-DNA position 329, G replaced by A.
Protein change: p.Arg110His; replaces arginine 110 with histidine.
Molecular consequence: missense variant. On other transcripts: 5 prime UTR variant (1).
Genome position (GRCh38, 1-based): chr16:70,785,796, C>T on the plus strand (G>A on the coding strand, the complement: VAC14 is on the minus strand). VCF-style: chr16-70785796-C-T. GRCh37 (hg19) VCF-style: chr16-70819699-C-T.
Other names: c.329G>A (NM_018052.3); c.-374G>A (NM_001351157.2); short protein forms R110H.
Identifiers: ClinVar variation 2080206 (VCV002080206.2), dbSNP rs747220175, ClinGen allele CA8148124.
Genomic context (GRCh38, chr16:70,785,796, plus strand): 5'-GGCAGCACAGCGCCCCGGGCCACCTTGACGATGTTGTAGAGGGCCTCGCAGGCATAGTAG[C>T]GCAGCCTGCTGTCTGCATCATTGAAGCAGGTCAGCACTGGCTCGATCAGCTCCTTCAGGT-3'
Protein context (NP_060522.3, residues 100-120): TCFNDADSRL[Arg110His]YYACEALYNI

ClinVar aggregate classification (germline): Uncertain significance. Review status: criteria provided, multiple submitters, no conflicts (2 of 4 stars). 2 submissions from 2 submitters: Uncertain significance (2). Last evaluated 2025-08-04.

Conditions:
Inborn genetic diseases. Identifiers: MedGen C0950123, MeSH D030342.

Allele frequency attached by ClinVar (database versions not stated): gnomAD 0.00004; TOPMed 0.00004.
gnomAD v4.1: 100 of 1,596,424 alleles (0.0063%); highest among the groups gnomAD compares: Non-Finnish European, 0.0079%; no homozygotes.

Submissions (2):

Ambry Genetics
Classification: Uncertain significance for Inborn genetic diseases. Last evaluated: 2025-08-04. Review status: criteria provided, single submitter. Criteria: Ambry Variant Classification Scheme 2023. Collection method: clinical testing. Allele origin: germline.

Labcorp Genetics (formerly Invitae), Labcorp
Classification: Uncertain significance. Last evaluated: 2022-06-15. Review status: criteria provided, single submitter. Criteria: Invitae Variant Classification Sherloc (09022015). Collection method: clinical testing. Allele origin: germline.
Comment: This sequence change replaces arginine, which is basic and polar, with histidine, which is basic and polar, at codon 110 of the VAC14 protein (p.Arg110His). This variant is present in population databases (rs747220175, gnomAD 0.005%). This variant has not been reported in the literature in individuals affected with VAC14-related conditions. Algorithms developed to predict the effect of missense changes on protein structure and function (SIFT, PolyPhen-2, Align-GVGD) all suggest that this variant is likely to be disruptive. In summary, the available evidence is currently insufficient to determine the role of this variant in disease. Therefore, it has been classified as a Variant of Uncertain Significance.